The following is an entry in ClinVar:

ClinVar aggregate classification (germline): Pathogenic. Review status: criteria provided, multiple submitters, no conflicts (2 of 4 stars). 2 submissions from 2 submitters: Pathogenic (2). Last evaluated 2023-12-27.

Conditions:
Familial cancer of breast. Also called: hereditary breast carcinoma; Hereditary breast cancer; BREAST CANCER, FAMILIAL. Identifiers: Orphanet 227535, MedGen C0346153, MONDO:0016419, OMIM 114480. Disease mechanism: loss of function.

Submissions (2):

Labcorp Genetics (formerly Invitae), Labcorp
Classification: Pathogenic for Familial cancer of breast. Last evaluated: 2023-12-27. Review status: criteria provided, single submitter. Criteria: Invitae Variant Classification Sherloc (09022015). Collection method: clinical testing. Allele origin: germline.
Comment: This sequence change creates a premature translational stop signal (p.Gln439Argfs*30) in the CHEK2 gene. It is expected to result in an absent or disrupted protein product. Loss-of-function variants in CHEK2 are known to be pathogenic (PMID: 21876083, 24713400). This variant is not present in population databases (gnomAD no frequency). This variant has not been reported in the literature in individuals affected with CHEK2-related conditions. ClinVar contains an entry for this variant (Variation ID: 1409850). For these reasons, this variant has been classified as Pathogenic.

Myriad Genetics, Inc.
Classification: Pathogenic for Familial cancer of breast. Last evaluated: 2023-06-28. Review status: criteria provided, single submitter. Criteria: Myriad Autosomal Dominant, Autosomal Recessive and X-Linked Classification Criteria (2023). Collection method: clinical testing. Allele origin: unknown.
Comment: This variant is considered pathogenic. This variant creates a frameshift predicted to result in premature protein truncation.

Literature cited by the submitters: PubMed 21876083 (cited by Labcorp Genetics (formerly Invitae), Labcorp); PubMed 24713400 (cited by Labcorp Genetics (formerly Invitae), Labcorp).

NM_007194.4(CHEK2):c.1314del (p.Gln439fs)

Gene: CHEK2 (checkpoint kinase 2; minus strand). Cytogenetic location: 22q12.1.
Variant type: Deletion.
Coding change: c.1314del on transcript NM_007194.4 (MANE Select); coding-DNA position 1314, one base deleted (T; older notation c.1314delT).
Protein change: p.Gln439fs; shifts the reading frame from glutamine 439.
Molecular consequence: frameshift variant.
Genome position (GRCh38, 1-based): chr22:28,695,188, A deleted on the plus strand (T on the coding strand, the reverse complement: CHEK2 is on the minus strand). VCF-style (leftmost placement, unchanged base first): chr22-28695187-GA-G. GRCh37 (hg19) VCF-style: chr22-29091175-GA-G.
Other names: c.1443delT, p.Gln482Argfs (NM_001005735.3); c.651delT, p.Gln218Argfs (NM_001257387.3); c.1113delT, p.Gln372Argfs (NM_001349956.3); c.1227delT, p.Gln410Argfs (NM_145862.3); short protein forms Q218fs, Q439fs, Q482fs, Q410fs, Q372fs.
Identifiers: ClinVar variation 1409850 (VCV001409850.8), dbSNP rs2145794535, ClinGen allele CA2573157931.